The following is an entry in ClinVar:

NM_002693.3(POLG):c.2982-10C>G

Gene: POLG (DNA polymerase gamma, catalytic subunit; minus strand). Cytogenetic location: 15q26.1.
Variant type: single nucleotide variant.
Coding change: c.2982-10C>G on transcript NM_002693.3 (MANE Select); 10 bases into the intron before coding-DNA position 2982, C replaced by G.
Molecular consequence: intron variant.
Genome position (GRCh38, 1-based): chr15:89,319,360, G>C on the plus strand (C>G on the coding strand, the complement: POLG is on the minus strand). VCF-style: chr15-89319360-G-C. GRCh37 (hg19) VCF-style: chr15-89862591-G-C.
Other names: c.2982-10C>G (NM_001126131.2).
Identifiers: ClinVar variation 3252650 (VCV003252650.1), dbSNP rs2152059869.
Genomic context (GRCh38, chr15:89,319,360, plus strand): 5'-GGGAGGTTCAACTCCCTCACCAGCCACTCGCCCTCATCCGACAGCCGATACCTGGGGGCA[G>C]TGTTATCACCATCATTCCACGGGAGTGCTTCCTGTGCCACGCTAGTGCCTTGGCAAGGAA-3'

ClinVar aggregate classification (germline): Uncertain significance (1 of 4 stars; one submission).

Submission:

GeneDx
Classification: Uncertain significance. Last evaluated: 2024-03-04. Review status: criteria provided, single submitter. Criteria: GeneDx Variant Classification Process June 2021. Collection method: clinical testing. Allele origin: germline. Affected: yes.
Comment: Not observed at significant frequency in large population cohorts (gnomAD); In silico analysis supports a deleterious effect on splicing; Has not been previously published as pathogenic or benign to our knowledge